The following is an entry in ClinVar:

ClinVar aggregate classification (germline): Likely pathogenic (1 of 4 stars; one submission).

Conditions:
Oto-palato-digital syndrome, type II (OPD2). Also called: Otopalatodigital Syndrome Type 2 (FLNA-OPD2); FACIOPALATOOSSEOUS SYNDROME; OPD II SYNDROME; Otopalatodigital Syndrome, Type II. Identifiers: Orphanet 669, Orphanet 90652, MedGen C1844696, MONDO:0010571, OMIM 304120.
Heterotopia, periventricular, X-linked dominant (PVNH1). Also called: PERIVENTRICULAR NODULAR HETEROTOPIA 1; X-linked periventricular heterotopia; PERIVENTRICULAR NODULAR HETEROTOPIA 4; HETEROTOPIA, PERIVENTRICULAR, 1. Identifiers: Orphanet 2149, Orphanet 82004, MedGen C1848213, MONDO:0010233, OMIM 300049.
Melnick-Needles syndrome (MNS). Also called: Melnick-Needles Syndrome (FLNA-MNS); MELNICK-NEEDLES OSTEODYSPLASTY; OSTEODYSPLASTY OF MELNICK AND NEEDLES. Identifiers: Orphanet 2484, MedGen C0025237, MONDO:0010650, OMIM 309350.
Frontometaphyseal dysplasia (FMD1). Identifiers: Orphanet 1826, MedGen C0265293, MONDO:0015942.

Submissions (4):

Labcorp Genetics (formerly Invitae), Labcorp
Classification: Likely pathogenic for Oto-palato-digital syndrome, type II; Heterotopia, periventricular, X-linked dominant; Frontometaphyseal dysplasia; Melnick-Needles syndrome. Last evaluated: 2023-07-27. Review status: criteria provided, single submitter. Criteria: Invitae Variant Classification Sherloc (09022015). Collection method: clinical testing. Allele origin: germline.
Comment: This sequence change affects an acceptor splice site in intron 2 of the FLNA gene. It is expected to disrupt RNA splicing. Variants that disrupt the donor or acceptor splice site typically lead to a loss of protein function (PMID: 16199547), and loss-of-function variants in FLNA are known to be pathogenic (PMID: 16684786, 20730588, 26471271). This variant is not present in population databases (gnomAD no frequency). Disruption of this splice site has been observed in individual(s) with clinical features of X-linked dominant FLNA-related conditions (PMID: 28660794). Algorithms developed to predict the effect of sequence changes on RNA splicing suggest that this variant may disrupt the consensus splice site. In summary, the currently available evidence indicates that the variant is pathogenic, but additional data are needed to prove that conclusively. Therefore, this variant has been classified as Likely Pathogenic.

Dr. Peter K. Rogan Lab, Western University
No classification provided (evidence only). Condition: Thyroid cancer, nonmedullary, 1. Review status: no classification provided. Collection method: in vitro. Allele origin: not applicable. Functional consequence: retained intron. Not counted in ClinVar's aggregate classification.

Dr. Peter K. Rogan Lab, Western University
No classification provided (evidence only). Condition: Thyroid cancer, nonmedullary, 1. Review status: no classification provided. Collection method: in vitro. Allele origin: not applicable. Functional consequence: retained intron. Not counted in ClinVar's aggregate classification.

Dr. Peter K. Rogan Lab, Western University
No classification provided (evidence only). Condition: Thyroid cancer, nonmedullary, 1. Review status: no classification provided. Collection method: in vitro. Allele origin: not applicable. Functional consequence: retained intron. Not counted in ClinVar's aggregate classification.

Literature cited by the submitters: PubMed 16199547 (cited by Labcorp Genetics (formerly Invitae), Labcorp); PubMed 16684786 (cited by Labcorp Genetics (formerly Invitae), Labcorp); PubMed 20730588 (cited by Labcorp Genetics (formerly Invitae), Labcorp); PubMed 26471271 (cited by Labcorp Genetics (formerly Invitae), Labcorp); PubMed 28660794 (cited by Labcorp Genetics (formerly Invitae), Labcorp).

NM_001110556.2(FLNA):c.374-2A>G

Gene: FLNA (filamin A; minus strand). Cytogenetic location: Xq28.
Variant type: single nucleotide variant.
Coding change: c.374-2A>G on transcript NM_001110556.2 (MANE Select); the canonical splice acceptor site of the intron before coding-DNA position 374, A replaced by G.
Molecular consequence: splice acceptor variant.
Genome position (GRCh38, 1-based): chrX:154,368,092, T>C on the plus strand (A>G on the coding strand, the complement: FLNA is on the minus strand). VCF-style: chrX-154368092-T-C. GRCh37 (hg19) VCF-style: chrX-153596460-T-C.
Other names: c.374-2A>G (NM_001456.4).
Identifiers: ClinVar variation 2925703 (VCV002925703.4), dbSNP rs2522765595, ClinGen allele CA415251240.